The following is an entry in ClinVar:

NM_001042492.3(NF1):c.7021A>C (p.Asn2341His)

Gene: NF1 (neurofibromin 1; plus strand). Cytogenetic location: 17q11.2.
Variant type: single nucleotide variant.
Coding change: c.7021A>C on transcript NM_001042492.3 (MANE Select); coding-DNA position 7021, A replaced by C.
Protein change: p.Asn2341His; replaces asparagine 2341 with histidine.
Molecular consequence: missense variant.
Genome position (GRCh38, 1-based): chr17:31,340,604, A>C. VCF-style: chr17-31340604-A-C. GRCh37 (hg19) VCF-style: chr17-29667622-A-C.
Other names: c.6958A>C, p.Asn2320His (NM_000267.4); short protein forms N2320H, N2341H.
Identifiers: ClinVar variation 4540091 (VCV004540091.1).

ClinVar aggregate classification (germline): Uncertain significance (1 of 4 stars; one submission).

Submission:

GeneDx
Classification: Uncertain significance. Last evaluated: 2025-06-22. Review status: criteria provided, single submitter. Criteria: GeneDx Variant Classification Process June 2021. Collection method: clinical testing. Allele origin: germline. Affected: yes.
Comment: Not observed at significant frequency in large population cohorts (gnomAD); In silico analysis supports that this missense variant has a deleterious effect on protein structure/function; Has not been previously published as pathogenic or benign to our knowledge; This variant is associated with the following publications: (PMID: 25486365)